The following is an entry in ClinVar:

ClinVar aggregate classification (germline): Pathogenic (1 of 4 stars; one submission).

Conditions:
Neuromuscular disease caused by qualitative or quantitative defects of dystrophin. Also called: Qualitative or quantitative defects of dystrophin. Identifiers: Orphanet 207085, MedGen C5679787, MONDO:0016147.

Submission:

Women's Health and Genetics/Laboratory Corporation of America, LabCorp
Classification: Pathogenic for Neuromuscular disease caused by qualitative or quantitative defects of dystrophin. Last evaluated: 2024-09-20. Review status: criteria provided, single submitter. Criteria: LabCorp Variant Classification Summary - May 2015. Collection method: clinical testing. Allele origin: germline.
Comment: Variant summary: The variant involves the duplication of exons 2-44 in the DMD gene. A presumed nomenclature of c.(31+1_32-1)_(6438+1_6439-1)dup has been designated for the purposes of this classification. It is assumed to be a tandem duplication in direct orientation (PMIDs: 25640679, 30054569). This Copy Number Variant (CNV) is expected to alter the reading frame and predicted to result in a truncation or absence of the encoded protein due to nonsense mediated decay (NMD). The variant was absent in 16120 control chromosomes (gnomAD v4 SV dataset). c.(31+1_32-1)_(6438+1_6439-1)dup has been reported in the literature in multitple individuals affected with Dystrophinopathies (examples, Dwianingsih_2023, Iskandar_2022, Tomar_2019). These data indicate that the variant may be associated with disease. To our knowledge, no experimental evidence demonstrating an impact on protein function has been reported. The following publications have been ascertained in the context of this evaluation (PMID: 38009102, 36315559, 31081998). No submitters have cited clinical-significance assessments for this variant to ClinVar. Based on the evidence outlined above, the variant was classified as pathogenic.

Literature cited by the submitters: PubMed 31081998; PubMed 38009102; PubMed 36315559.

NC_000023.10:g.(31986632_32235032)_(33038318_33229398)dup

Gene: DMD (dystrophin; minus strand). Cytogenetic location: Xp21.1.
Variant type: Duplication.
Identifiers: ClinVar variation 3375344 (VCV003375344.1).